The following is an entry in ClinVar:

NM_000368.5(TSC1):c.1191A>G (p.Pro397=)

Gene: TSC1 (TSC complex subunit 1; minus strand). Cytogenetic location: 9q34.13.
Variant type: single nucleotide variant.
Coding change: c.1191A>G on transcript NM_000368.5 (MANE Select); coding-DNA position 1191, A replaced by G.
Protein change: p.Pro397=; no amino-acid change (proline 397 retained).
Molecular consequence: synonymous variant.
Genome position (GRCh38, 1-based): chr9:132,910,643, T>C on the plus strand (A>G on the coding strand, the complement: TSC1 is on the minus strand). VCF-style: chr9-132910643-T-C. GRCh37 (hg19) VCF-style: chr9-135786030-T-C.
Other names: c.1188A>G, p.Pro396= (NM_001162426.2); c.1038A>G, p.Pro346= (NM_001162427.2); c.828A>G, p.Pro276= (NM_001362177.2).
Identifiers: ClinVar variation 466010 (VCV000466010.22), dbSNP rs370281825, ClinGen allele CA200893859.

ClinVar aggregate classification (germline): Benign/Likely benign. Review status: criteria provided, multiple submitters, no conflicts (2 of 4 stars). 8 submissions from 8 submitters: Benign (2); Likely benign (6). Last evaluated 2025-08-07.

Conditions:
Tuberous sclerosis 1 (TSC1). Identifiers: Orphanet 805, MedGen C1854465, MONDO:0008612, OMIM 191100.
Hereditary cancer-predisposing syndrome. Also called: Hereditary neoplastic syndrome; Neoplastic Syndromes, Hereditary; Tumor predisposition; Hereditary Cancer Syndrome. Identifiers: Orphanet 140162, MedGen C0027672, MeSH D009386, MONDO:0015356.
Tuberous sclerosis syndrome (TSC). Also called: Tuberous Sclerosis Complex; Tuberous sclerosis. Identifiers: Orphanet 805, MedGen C0041341, MONDO:0001734.

Allele frequency attached by ClinVar (database versions not stated): gnomAD exomes below 0.00001; gnomAD 0.00001; TOPMed 0.00002; ESP Exome Variant Server 0.00008.
gnomAD v4.1: 2 of 1,614,004 alleles (0.00012%); highest among the groups gnomAD compares: African/African-American, 0.0013%; no homozygotes.

Submissions (8):

Labcorp Genetics (formerly Invitae), Labcorp
Classification: Likely benign for Tuberous sclerosis 1. Last evaluated: 2025-08-07. Review status: criteria provided, single submitter. Criteria: Invitae Variant Classification Sherloc (09022015). Collection method: clinical testing. Allele origin: germline.

Myriad Genetics, Inc.
Classification: Benign for Tuberous sclerosis 1. Last evaluated: 2025-04-09. Review status: criteria provided, single submitter. Criteria: Myriad Autosomal Dominant, Autosomal Recessive and X-Linked Classification Criteria (2023). Collection method: clinical testing. Allele origin: unknown.
Comment: This variant is considered benign. This variant is a silent/synonymous amino acid change and it is not expected to impact splicing.

All of Us Research Program, National Institutes of Health
Classification: Likely benign for Tuberous sclerosis syndrome. Last evaluated: 2023-12-01. Review status: criteria provided, single submitter. Criteria: ACMG Guidelines, 2015. Collection method: clinical testing. Allele origin: germline. Inheritance: Autosomal dominant inheritance. Observed: 2 variant alleles, 2 heterozygotes.
Comment: This study involves interpretation of variants in research participants for the purpose of population health screening. Participant phenotype was not available at the time of variant classification. Additional details can be found in publication PMID: 35346344, PMCID: PMC8962531

Color Diagnostics, LLC DBA Color Health
Classification: Likely benign for Tuberous sclerosis syndrome. Last evaluated: 2022-08-30. Review status: criteria provided, single submitter. Criteria: ACMG Guidelines, 2015. Collection method: clinical testing. Allele origin: germline.

Genome-Nilou Lab
Classification: Benign for Tuberous sclerosis 1. Last evaluated: 2021-11-07. Review status: criteria provided, single submitter. Criteria: ACMG Guidelines, 2015. Collection method: clinical testing. Allele origin: germline. Affected: no.

Sema4
Classification: Likely benign for Hereditary cancer-predisposing syndrome. Last evaluated: 2021-09-25. Review status: criteria provided, single submitter. Criteria: Sema4 Curation Guidelines. Collection method: curation. Allele origin: germline.

Ambry Genetics
Classification: Likely benign for Hereditary cancer-predisposing syndrome. Last evaluated: 2019-08-02. Review status: criteria provided, single submitter. Criteria: Ambry Variant Classification Scheme 2023. Collection method: clinical testing. Allele origin: germline.

GeneDx
Classification: Likely benign. Last evaluated: 2017-10-19. Review status: criteria provided, single submitter. Criteria: GeneDx Variant Classification (06012015). Collection method: clinical testing. Allele origin: germline. Affected: yes.
Comment: This variant is considered likely benign or benign based on one or more of the following criteria: it is a conservative change, it occurs at a poorly conserved position in the protein, it is predicted to be benign by multiple in silico algorithms, and/or has population frequency not consistent with disease.